The following is an entry in ClinVar:

NM_002569.4(FURIN):c.459C>T (p.Asp153=)

Gene: FURIN (furin, paired basic amino acid cleaving enzyme; plus strand). Cytogenetic location: 15q26.1.
Variant type: single nucleotide variant.
Coding change: c.459C>T on transcript NM_002569.4 (MANE Select); coding-DNA position 459, C replaced by T.
Protein change: p.Asp153=; no amino-acid change (aspartic acid 153 retained).
Molecular consequence: synonymous variant. On other transcripts: non-coding transcript variant (1).
Genome position (GRCh38, 1-based): chr15:90,876,982, C>T. VCF-style: chr15-90876982-C-T. GRCh37 (hg19) VCF-style: chr15-91420212-C-T.
Other names: c.459C>T, p.Asp153= (NM_001289823.2, NM_001289824.2, NM_001382619.1 and 3 more transcripts).
Identifiers: ClinVar variation 3389089 (VCV003389089.14).

ClinVar aggregate classification (germline): Likely benign (1 of 4 stars; one submission).

gnomAD v4.1: 53 of 1,613,990 alleles (0.0033%); highest among the groups gnomAD compares: Non-Finnish European, 0.0042%; no homozygotes.

Submission:

CeGaT Center for Human Genetics Tuebingen
Classification: Likely benign. Last evaluated: 2024-11-01. Review status: criteria provided, single submitter. Criteria: CeGaT Center For Human Genetics Tuebingen Variant Classification Criteria Version 2. Collection method: clinical testing. Allele origin: germline. Affected: yes. Observed: 1 variant allele.
Comment: FURIN: BP4, BP7